The following is an entry in ClinVar:

NM_005359.6(SMAD4):c.471G>A (p.Met157Ile)

Gene: SMAD4 (SMAD family member 4; plus strand). Cytogenetic location: 18q21.2.
Variant type: single nucleotide variant.
Coding change: c.471G>A on transcript NM_005359.6 (MANE Select); coding-DNA position 471, G replaced by A.
Protein change: p.Met157Ile; replaces methionine 157 with isoleucine.
Molecular consequence: missense variant.
Genome position (GRCh38, 1-based): chr18:51,054,797, G>A. VCF-style: chr18-51054797-G-A. GRCh37 (hg19) VCF-style: chr18-48581167-G-A.
Other names: short protein forms M157I.
Identifiers: ClinVar variation 484827 (VCV000484827.23), dbSNP rs780716382, ClinGen allele CA8965822.

ClinVar aggregate classification (germline): Conflicting classifications of pathogenicity. Review status: criteria provided, conflicting classifications (1 of 4 stars). 7 submissions from 7 submitters: Uncertain significance (2); Benign (1); Likely benign (4). Last evaluated 2026-01-20.

Conditions:
Hereditary cancer-predisposing syndrome. Also called: Hereditary neoplastic syndrome; Tumor predisposition; Neoplastic Syndromes, Hereditary; Hereditary Cancer Syndrome. Identifiers: Orphanet 140162, MedGen C0027672, MeSH D009386, MONDO:0015356.
Familial thoracic aortic aneurysm and aortic dissection (TAAD). Also called: Thoracic aortic aneurysms and dissections. Identifiers: Orphanet 91387, MedGen C4707243, MONDO:0019625.
Myhre syndrome (MYHRS). Also called: LARYNGOTRACHEAL STENOSIS, ARTHROPATHY, PROGNATHISM, AND SHORT STATURE; LAPS SYNDROME. Identifiers: Orphanet 2588, MedGen C0796081, MONDO:0007688, OMIM 139210.
Juvenile polyposis/hereditary hemorrhagic telangiectasia syndrome (JPHT). Also called: Juvenile Polyposis Syndrome / Hereditary Hemorrhagic Telangiectasia (JPS/HHT); JP/HHT SYNDROME; JUVENILE POLYPOSIS WITH HEREDITARY HEMORRHAGIC TELANGIECTASIA; POLYPOSIS, GENERALIZED JUVENILE, WITH PULMONARY ARTERIOVENOUS MALFORMATION; TELANGIECTASIA, HEREDITARY HEMORRHAGIC, WITH JUVENILE POLYPOSIS COLI. Identifiers: Orphanet 2929, MedGen C1832942, MONDO:0008278, OMIM 175050.
Juvenile polyposis syndrome (JPS). Identifiers: Orphanet 2929, MedGen C0345893, MONDO:0017380, OMIM 174900.

Allele frequency attached by ClinVar (database versions not stated): ExAC 0.00001; gnomAD exomes 0.00001 and 0.00002; TOPMed 0.00001; gnomAD 0.00002.

Submissions (7):

Labcorp Genetics (formerly Invitae), Labcorp
Classification: Likely benign for Juvenile polyposis syndrome. Last evaluated: 2026-01-20. Review status: criteria provided, single submitter. Criteria: Invitae Variant Classification Sherloc (09022015). Collection method: clinical testing. Allele origin: germline.

All of Us Research Program, National Institutes of Health
Classification: Likely benign for Juvenile polyposis/hereditary hemorrhagic telangiectasia syndrome. Last evaluated: 2024-07-20. Review status: criteria provided, single submitter. Criteria: ACMG Guidelines, 2015. Collection method: clinical testing. Allele origin: germline. Inheritance: Autosomal dominant inheritance. Observed: 1 variant allele, 1 heterozygote.
Comment: This study involves interpretation of variants in research participants for the purpose of population health screening. Participant phenotype was not available at the time of variant classification. Additional details can be found in publication PMID: 35346344, PMCID: PMC8962531

Color Diagnostics, LLC DBA Color Health
Classification: Likely benign for Hereditary cancer-predisposing syndrome. Last evaluated: 2024-07-18. Review status: criteria provided, single submitter. Criteria: ACMG Guidelines, 2015. Collection method: clinical testing. Allele origin: germline.

St. Jude Molecular Pathology, St. Jude Children's Research Hospital
Classification: Uncertain significance for Juvenile polyposis syndrome. Last evaluated: 2024-03-08. Review status: criteria provided, single submitter. Criteria: St. Jude Assertion Criteria 2020. Collection method: clinical testing. Allele origin: germline.
Comment: The SMAD4 c.471G>A (p.Met157Ile) missense change has a maximum subpopulation frequency of 0.02% in gnomAD v2.1.1. The in silico tool REVEL is inconclusive about a pathogenic or benign effect of this variant on protein function, and to our knowledge functional studies have not been performed. To our knowledge, this variant has not been reported in individuals with juvenile polyposis syndrome. In summary, the evidence currently available is insufficient to determine the clinical significance of this variant. It has therefore been classified as of uncertain significance.

GeneDx
Classification: Uncertain significance. Last evaluated: 2023-11-08. Review status: criteria provided, single submitter. Criteria: GeneDx Variant Classification Process June 2021. Collection method: clinical testing. Allele origin: germline. Affected: yes.
Comment: In silico analysis supports that this missense variant does not alter protein structure/function; Has not been previously published as pathogenic or benign to our knowledge; This variant is associated with the following publications: (PMID: 15235019, 18823382, 22992590)

Ambry Genetics
Classification: Benign for Hereditary cancer-predisposing syndrome; Familial thoracic aortic aneurysm and aortic dissection. Last evaluated: 2021-09-10. Review status: criteria provided, single submitter. Criteria: Ambry Variant Classification Scheme 2023. Collection method: clinical testing. Allele origin: germline.

Women's Health and Genetics/Laboratory Corporation of America, LabCorp
Classification: Likely benign. Last evaluated: 2018-04-06. Review status: criteria provided, single submitter. Criteria: LabCorp Variant Classification Summary - May 2015. Collection method: clinical testing. Allele origin: germline.
Comment: Variant summary: SMAD4 c.471G>A (p.Met157Ile) results in a conservative amino acid change in the encoded protein sequence. Three of five in-silico tools predict a benign effect of the variant on protein function. The variant allele was found at a frequency of 2.2e-05 in 277138 control chromosomes. The observed variant frequency is approximately 10.82 fold above the estimated maximal expected allele frequency for a pathogenic variant in SMAD4 causing Juvenile Polyposis Syndrome phenotype (2e-06), strongly suggesting that the variant is benign. To our knowledge, no occurrence of c.471G>A in individuals affected with Juvenile Polyposis Syndrome and no experimental evidence demonstrating its impact on protein function have been reported. One clinical diagnostic laboratory has submitted clinical-significance assessments for this variant to ClinVar after 2014 without evidence for independent evaluation, and classified the variant as uncertain significance. Based on the evidence outlined above, the variant was classified as likely benign.